The following is an entry in ClinVar:

ClinVar aggregate classification (germline): Uncertain significance (1 of 4 stars; one submission).

Allele frequency attached by ClinVar (database versions not stated): gnomAD exomes 0.00003; gnomAD 0.00005; ExAC 0.00011; 1000 Genomes Project 0.00120; 1000 Genomes Project 30x 0.00094.
gnomAD v4.1: 53 of 1,608,950 alleles (0.0033%); highest among the groups gnomAD compares: South Asian, 0.056%; 1 homozygote.

Submission:

Labcorp Genetics (formerly Invitae), Labcorp
Classification: Uncertain significance. Last evaluated: 2024-09-06. Review status: criteria provided, single submitter. Criteria: Invitae Variant Classification Sherloc (09022015). Collection method: clinical testing. Allele origin: germline.
Comment: This sequence change replaces proline, which is neutral and non-polar, with serine, which is neutral and polar, at codon 805 of the CLCN6 protein (p.Pro805Ser). This variant is present in population databases (rs574102759, gnomAD 0.06%), and has an allele count higher than expected for a pathogenic variant. This variant has not been reported in the literature in individuals affected with CLCN6-related conditions. ClinVar contains an entry for this variant (Variation ID: 2064388). An algorithm developed to predict the effect of missense changes on protein structure and function (PolyPhen-2) suggests that this variant is likely to be disruptive. In summary, the available evidence is currently insufficient to determine the role of this variant in disease. Therefore, it has been classified as a Variant of Uncertain Significance.

NM_001286.5(CLCN6):c.2413C>T (p.Pro805Ser)

Gene: CLCN6 (Cl-/H+ antiporter 6; plus strand). Cytogenetic location: 1p36.22.
Variant type: single nucleotide variant.
Coding change: c.2413C>T on transcript NM_001286.5 (MANE Select); coding-DNA position 2413, C replaced by T.
Protein change: p.Pro805Ser; replaces proline 805 with serine.
Molecular consequence: missense variant. On other transcripts: non-coding transcript variant (1).
Genome position (GRCh38, 1-based): chr1:11,838,544, C>T. VCF-style: chr1-11838544-C-T. GRCh37 (hg19) VCF-style: chr1-11898601-C-T.
Other names: c.2347C>T, p.Pro783Ser (NM_001256959.2); short protein forms P783S, P805S.
Identifiers: ClinVar variation 2064388 (VCV002064388.4), dbSNP rs574102759, ClinGen allele CA596852.